The following is an entry in ClinVar:

NM_002430.3(MN1):c.604T>G (p.Ser202Ala)

Gene: MN1 (MN1 proto-oncogene, transcriptional regulator; minus strand). Cytogenetic location: 22q12.1.
Variant type: single nucleotide variant.
Coding change: c.604T>G on transcript NM_002430.3 (MANE Select); coding-DNA position 604, T replaced by G.
Protein change: p.Ser202Ala; replaces serine 202 with alanine.
Molecular consequence: missense variant.
Genome position (GRCh38, 1-based): chr22:27,799,940, A>C on the plus strand (T>G on the coding strand, the complement: MN1 is on the minus strand). VCF-style: chr22-27799940-A-C. GRCh37 (hg19) VCF-style: chr22-28195928-A-C.
Other names: short protein forms S202A.
Identifiers: ClinVar variation 3600939 (VCV003600939.2).

ClinVar aggregate classification (germline): Uncertain significance (1 of 4 stars; one submission).

gnomAD v4.1: 2 of 1,603,226 alleles (0.00012%); highest among the groups gnomAD compares: African/African-American, 0.0027%; no homozygotes.

Submission:

GeneDx
Classification: Uncertain significance. Last evaluated: 2026-09-25. Review status: criteria provided, single submitter. Criteria: GeneDx Variant Classification Process June 2021. Collection method: clinical testing. Allele origin: germline.
Comment: Not observed at significant frequency in large population cohorts (gnomAD); In silico analysis supports that this missense variant has a deleterious effect on protein structure/function; Has not been previously published as pathogenic or benign to our knowledge